The following is an entry in ClinVar:

ClinVar aggregate classification (germline): Uncertain significance. Review status: criteria provided, multiple submitters, no conflicts (2 of 4 stars). 3 submissions from 3 submitters: Uncertain significance (3). Last evaluated 2024-04-03.

Conditions:
Inborn genetic diseases. Identifiers: MedGen C0950123, MeSH D030342.

Allele frequency attached by ClinVar (database versions not stated): gnomAD exomes 0.00012 and 0.00019; ESP Exome Variant Server 0.00015; 1000 Genomes Project 30x 0.00016; ExAC 0.00016; 1000 Genomes Project 0.00020; gnomAD 0.00021 and 0.00023; TOPMed 0.00026.
gnomAD v4.1: 210 of 1,614,062 alleles (0.013%); highest among the groups gnomAD compares: Admixed American, 0.11%; no homozygotes.

Submissions (3):

Women's Health and Genetics/Laboratory Corporation of America, LabCorp
Classification: Uncertain significance. Last evaluated: 2024-04-03. Review status: criteria provided, single submitter. Criteria: LabCorp Variant Classification Summary - May 2015. Collection method: clinical testing. Allele origin: germline.
Comment: Variant summary: POLR3A c.1744C>T (p.Arg582Cys) results in a non-conservative amino acid change located in the RNA polymerase Rpb1, domain 3 (IPR007066) of the encoded protein sequence. Four of five in-silico tools predict a damaging effect of the variant on protein function. The variant allele was found at a frequency of 0.00019 in 251470 control chromosomes. This frequency is not significantly higher than estimated for a pathogenic variant in POLR3A causing Pol III-Related Leukodystrophy, allowing no conclusion about variant significance. To our knowledge, no occurrence of c.1744C>T in individuals affected with Pol III-Related Leukodystrophy and no experimental evidence demonstrating its impact on protein function have been reported. ClinVar contains an entry for this variant (Variation ID: 1063001). Based on the evidence outlined above, the variant was classified as uncertain significance.

Labcorp Genetics (formerly Invitae), Labcorp
Classification: Uncertain significance. Last evaluated: 2022-10-13. Review status: criteria provided, single submitter. Criteria: Invitae Variant Classification Sherloc (09022015). Collection method: clinical testing. Allele origin: germline.
Comment: This sequence change replaces arginine, which is basic and polar, with cysteine, which is neutral and slightly polar, at codon 582 of the POLR3A protein (p.Arg582Cys). This variant is present in population databases (rs187245012, gnomAD 0.1%). This variant has not been reported in the literature in individuals affected with POLR3A-related conditions. ClinVar contains an entry for this variant (Variation ID: 1063001). Advanced modeling of protein sequence and biophysical properties (such as structural, functional, and spatial information, amino acid conservation, physicochemical variation, residue mobility, and thermodynamic stability) performed at Invitae indicates that this missense variant is not expected to disrupt POLR3A protein function. In summary, the available evidence is currently insufficient to determine the role of this variant in disease. Therefore, it has been classified as a Variant of Uncertain Significance.

Ambry Genetics
Classification: Uncertain significance for Inborn genetic diseases. Last evaluated: 2022-02-02. Review status: criteria provided, single submitter. Criteria: Ambry Variant Classification Scheme 2023. Collection method: clinical testing. Allele origin: germline.

NM_007055.4(POLR3A):c.1744C>T (p.Arg582Cys)

Gene: POLR3A (RNA polymerase III subunit A; minus strand). Cytogenetic location: 10q22.3.
Variant type: single nucleotide variant.
Coding change: c.1744C>T on transcript NM_007055.4 (MANE Select); coding-DNA position 1744, C replaced by T.
Protein change: p.Arg582Cys; replaces arginine 582 with cysteine.
Molecular consequence: missense variant.
Genome position (GRCh38, 1-based): chr10:78,009,890, G>A on the plus strand (C>T on the coding strand, the complement: POLR3A is on the minus strand). VCF-style: chr10-78009890-G-A. GRCh37 (hg19) VCF-style: chr10-79769648-G-A.
Other names: c.1744C>T (NM_007055.3); short protein forms R582C.
Identifiers: ClinVar variation 1063001 (VCV001063001.6), dbSNP rs187245012, ClinGen allele CA5571350.